The following is an entry in ClinVar:

NM_003000.3(SDHB):c.569C>A (p.Ala190Asp)

Gene: SDHB (succinate dehydrogenase complex iron sulfur subunit B; minus strand). Cytogenetic location: 1p36.13.
Variant type: single nucleotide variant.
Coding change: c.569C>A on transcript NM_003000.3 (MANE Select); coding-DNA position 569, C replaced by A.
Protein change: p.Ala190Asp; replaces alanine 190 with aspartic acid.
Molecular consequence: missense variant.
Genome position (GRCh38, 1-based): chr1:17,024,046, G>T on the plus strand (C>A on the coding strand, the complement: SDHB is on the minus strand). VCF-style: chr1-17024046-G-T. GRCh37 (hg19) VCF-style: chr1-17350541-G-T.
Other names: c.515C>A, p.Ala172Asp (NM_001407361.1); short protein forms A172D, A190D.
Identifiers: ClinVar variation 1749124 (VCV001749124.3), dbSNP rs201900648, ClinGen allele CA338271289.

ClinVar aggregate classification (germline): Uncertain significance (1 of 4 stars; one submission).

Conditions:
Hereditary cancer-predisposing syndrome. Also called: Neoplastic Syndromes, Hereditary; Tumor predisposition; Hereditary Cancer Syndrome; Hereditary neoplastic syndrome. Identifiers: Orphanet 140162, MedGen C0027672, MeSH D009386, MONDO:0015356.

Submission:

Ambry Genetics
Classification: Uncertain significance for Hereditary cancer-predisposing syndrome. Last evaluated: 2026-04-03. Review status: criteria provided, single submitter. Criteria: Ambry Variant Classification Scheme 2023. Collection method: clinical testing. Allele origin: germline.
Comment: The p.A190D variant (also known as c.569C>A), located in coding exon 6 of the SDHB gene, results from a C to A substitution at nucleotide position 569. The alanine at codon 190 is replaced by aspartic acid, an amino acid with dissimilar properties. This amino acid position is conserved. In addition, this alteration is predicted to be deleterious by in silico analysis. Since supporting evidence is limited at this time, the clinical significance of this alteration remains unclear.